The following is an entry in ClinVar:

NM_001365276.2(TNXB):c.3624C>T (p.Pro1208=)

Gene: TNXB (tenascin XB; minus strand). Cytogenetic location: 6p21.33.
Variant type: single nucleotide variant.
Coding change: c.3624C>T on transcript NM_001365276.2 (MANE Select); coding-DNA position 3624, C replaced by T.
Protein change: p.Pro1208=; no amino-acid change (proline 1208 retained).
Molecular consequence: synonymous variant.
Genome position (GRCh38, 1-based): chr6:32,082,148, G>A on the plus strand (C>T on the coding strand, the complement: TNXB is on the minus strand). VCF-style: chr6-32082148-G-A. GRCh37 (hg19) VCF-style: chr6-32049925-G-A.
Other names: c.3624C>T, p.Pro1208= (NM_019105.8).
Identifiers: ClinVar variation 2565753 (VCV002565753.3), dbSNP rs761180572, ClinGen allele CA3735149.

ClinVar aggregate classification (germline): Conflicting classifications of pathogenicity. Review status: criteria provided, conflicting classifications (1 of 4 stars). 2 submissions from 2 submitters: Uncertain significance (1); Likely benign (1). Last evaluated 2026-03-05.

Conditions:
Cardiovascular phenotype. Identifiers: MedGen CN230736.

Allele frequency attached by ClinVar (database versions not stated): ExAC 0.00006.
gnomAD v4.1: 46 of 1,612,032 alleles (0.0029%); highest among the groups gnomAD compares: Admixed American, 0.01%; no homozygotes.

Submissions (2):

Women's Health and Genetics/Laboratory Corporation of America, LabCorp
Classification: Likely benign. Last evaluated: 2026-03-05. Review status: criteria provided, single submitter. Criteria: LabCorp Variant Classification Summary - May 2015. Collection method: clinical testing. Allele origin: germline.

Ambry Genetics
Classification: Uncertain significance for Cardiovascular phenotype. Last evaluated: 2023-06-12. Review status: criteria provided, single submitter. Criteria: Ambry Variant Classification Scheme 2023. Collection method: clinical testing. Allele origin: germline.
Comment: The c.3624C>T variant (also known as p.P1208P), located in coding exon 8 of the TNXB gene, results from a C to T substitution at nucleotide position 3624. This nucleotide substitution does not change the proline at codon 1208. This nucleotide position is poorly conserved in available vertebrate species. In silico splice site analysis for this alteration is inconclusive. Since supporting evidence is limited at this time, the clinical significance of this alteration remains unclear.